The following is an entry in ClinVar:

ClinVar aggregate classification (germline): Uncertain significance (1 of 4 stars; one submission).

gnomAD v4.1: 4 of 1,594,976 alleles (0.00025%); highest among the groups gnomAD compares: South Asian, 0.0046%; no homozygotes.

Submission:

Women's Health and Genetics/Laboratory Corporation of America, LabCorp
Classification: Uncertain significance. Last evaluated: 2025-12-01. Review status: criteria provided, single submitter. Criteria: LabCorp Variant Classification Summary - May 2015. Collection method: clinical testing. Allele origin: germline.
Comment: Variant summary: BPTF c.2038C>T (p.Pro680Ser) results in a non-conservative amino acid change in the encoded protein sequence. Algorithms developed to predict the effect of missense changes on protein structure and function are either unavailable or do not agree on the potential impact of this missense change. The variant allele was found at a frequency of 8.4e-06 in 237702 control chromosomes. The available data on variant occurrences in the general population are insufficient to allow any conclusion about variant significance. To our knowledge, no occurrence of c.2038C>T in individuals affected with BPTF-related conditions and no experimental evidence demonstrating its impact on protein function have been reported. No submitters have cited clinical-significance assessments for this variant to ClinVar. Based on the evidence outlined above, the variant was classified as uncertain significance.

NM_182641.4(BPTF):c.1864+709C>T

Gene: BPTF (bromodomain PHD finger transcription factor; plus strand). Cytogenetic location: 17q24.2.
Variant type: single nucleotide variant.
Coding change: c.1864+709C>T on transcript NM_182641.4 (MANE Select); 709 bases into the intron after coding-DNA position 1864, C replaced by T.
Molecular consequence: intron variant. On other transcripts: missense variant (6).
Genome position (GRCh38, 1-based): chr17:67,875,729, C>T. VCF-style: chr17-67875729-C-T. GRCh37 (hg19) VCF-style: chr17-65871845-C-T.
Other names: c.2038C>T, p.Pro680Ser (NM_001439139.1, NM_001439140.1, NM_001439141.1 and 3 more transcripts); c.1864+709C>T (NM_001439143.1); short protein forms P680S.
Identifiers: ClinVar variation 4688710 (VCV004688710.1).
Genomic context (GRCh38, chr17:67,875,729, plus strand): 5'-TGTCTCTCAGAAACCCCCGATAGCAGCAACATGGCAGAGAAGAAGGTGGCATCTGAGCTC[C>T]CCCAGGATGTGCCAGGTACAGAGGGCAGCGTATCAATGCCTCTGTAATGGGGGGAATCCT-3'